The following is an entry in ClinVar:

ClinVar aggregate classification (germline): Uncertain significance (1 of 4 stars; one submission).

Submission:

GeneDx
Classification: Uncertain significance. Last evaluated: 2024-05-28. Review status: criteria provided, single submitter. Criteria: GeneDx Variant Classification Process June 2021. Collection method: clinical testing. Allele origin: germline. Affected: yes.
Comment: Not observed at significant frequency in large population cohorts (gnomAD); In silico analysis indicates that this missense variant does not alter protein structure/function; Has not been previously published as pathogenic or benign to our knowledge; This variant is associated with the following publications: (PMID: 21076407)

NM_001386298.1(CIC):c.4201C>G (p.Arg1401Gly)

Gene: CIC (capicua transcriptional repressor; plus strand). Cytogenetic location: 19q13.2.
Variant type: single nucleotide variant.
Coding change: c.4201C>G on transcript NM_001386298.1 (MANE Select); coding-DNA position 4201, C replaced by G.
Protein change: p.Arg1401Gly; replaces arginine 1401 with glycine.
Molecular consequence: missense variant.
Genome position (GRCh38, 1-based): chr19:42,290,242, C>G. VCF-style: chr19-42290242-C-G. GRCh37 (hg19) VCF-style: chr19-42794394-C-G.
Other names: c.4201C>G, p.Arg1401Gly (NM_001304815.2, NM_001379480.1, NM_001379482.1); c.1474C>G, p.Arg492Gly (NM_001379484.1, NM_001379485.1, NM_015125.5); short protein forms R1401G, R492G.
Identifiers: ClinVar variation 3383718 (VCV003383718.1).
Genomic context (GRCh38, chr19:42,290,242, plus strand): 5'-TCGAGGTGTCGGAGTGTCCTGACCTGGGGTGTCTCCCTTCCTTTCATGCAGGGCTTTGGT[C>G]GGAAGGTGTTTTCACCTGTGATCCGTTCCTCCTTTACCCACTGCCGCCCCCCACTGGACC-3'
Protein context (NP_001373227.1, residues 1391-1411): EDPEGNKGFG[Arg1401Gly]KVFSPVIRSS